The following is an entry in ClinVar:

ClinVar aggregate classification (germline): Uncertain significance (1 of 4 stars; one submission).

Conditions:
Hypertrophic cardiomyopathy 26. Also called: Cardiomyopathy, familial hypertrophic, 26. Identifiers: Orphanet 75249, MedGen C4310749, MONDO:0014883, OMIM 617047.
Distal myopathy with posterior leg and anterior hand involvement. Also called: WILLIAMS DISTAL MYOPATHY. Identifiers: Orphanet 63273, MedGen C3279722, MONDO:0013550, OMIM 614065.
Myofibrillar myopathy 5. Also called: Filaminopathy (type); FILAMINOPATHY, AUTOSOMAL DOMINANT. Identifiers: Orphanet 171445, MedGen C1836050, MONDO:0012289, OMIM 609524.

Submission:

Labcorp Genetics (formerly Invitae), Labcorp
Classification: Uncertain significance for Distal myopathy with posterior leg and anterior hand involvement; Myofibrillar myopathy 5; Hypertrophic cardiomyopathy 26. Last evaluated: 2024-08-01. Review status: criteria provided, single submitter. Criteria: Invitae Variant Classification Sherloc (09022015). Collection method: clinical testing. Allele origin: germline.
Comment: This sequence change replaces threonine, which is neutral and polar, with serine, which is neutral and polar, at codon 1905 of the FLNC protein (p.Thr1905Ser). This variant is not present in population databases (gnomAD no frequency). This variant has not been reported in the literature in individuals affected with FLNC-related conditions. Advanced modeling of protein sequence and biophysical properties (such as structural, functional, and spatial information, amino acid conservation, physicochemical variation, residue mobility, and thermodynamic stability) has been performed at Invitae for this missense variant, however the output from this modeling did not meet the statistical confidence thresholds required to predict the impact of this variant on FLNC protein function. In summary, the available evidence is currently insufficient to determine the role of this variant in disease. Therefore, it has been classified as a Variant of Uncertain Significance.

NM_001458.5(FLNC):c.5714C>G (p.Thr1905Ser)

Genes: FLNC (filamin C; plus strand), FLNC-AS1 (FLNC antisense RNA 1; minus strand). Cytogenetic location: 7q32.1.
Variant type: single nucleotide variant.
Coding change: c.5714C>G on transcript NM_001458.5 (MANE Select); coding-DNA position 5714, C replaced by G.
Protein change: p.Thr1905Ser; replaces threonine 1905 with serine.
Molecular consequence: missense variant. On other transcripts: non-coding transcript variant (1).
Genome position (GRCh38, 1-based): chr7:128,851,500, C>G. VCF-style: chr7-128851500-C-G. GRCh37 (hg19) VCF-style: chr7-128491554-C-G.
Other names: c.5615C>G, p.Thr1872Ser (NM_001127487.2); short protein forms T1872S, T1905S.
Identifiers: ClinVar variation 3762366 (VCV003762366.2).